The following is an entry in ClinVar:

ClinVar aggregate classification (germline): Uncertain significance (1 of 4 stars; one submission).

Submission:

Ambry Genetics
Classification: Uncertain significance. Last evaluated: 2025-09-06. Review status: criteria provided, single submitter. Criteria: Ambry Variant Classification Scheme 2023. Collection method: clinical testing. Allele origin: germline.
Comment: The p.R33P variant (also known as c.98G>C), located in coding exon 1 of the ATRIP gene, results from a G to C substitution at nucleotide position 98. The arginine at codon 33 is replaced by proline, an amino acid with dissimilar properties. This amino acid position is conserved. In addition, the in silico prediction for this alteration is inconclusive. Based on the available evidence, the clinical significance of this variant remains unclear.

NM_130384.3(ATRIP):c.98G>C (p.Arg33Pro)

Genes: ATRIP (ATR interacting protein; plus strand), ATRIP-TREX1 (ATRIP-TREX1 readthrough; plus strand), LOC129936703 (ATAC-STARR-seq lymphoblastoid silent region 14331; plus strand). Cytogenetic location: 3p21.31.
Variant type: single nucleotide variant.
Coding change: c.98G>C on transcript NM_130384.3 (MANE Select); coding-DNA position 98, G replaced by C.
Protein change: p.Arg33Pro; replaces arginine 33 with proline.
Molecular consequence: missense variant. On other transcripts: non-coding transcript variant (1), intron variant (1).
Genome position (GRCh38, 1-based): chr3:48,446,943, G>C. VCF-style: chr3-48446943-G-C. GRCh37 (hg19) VCF-style: chr3-48488347-G-C.
Other names: c.98G>C, p.Arg33Pro (NM_032166.4); c.-218+144G>C (NM_001271022.2); short protein forms R33P.
Identifiers: ClinVar variation 4182765 (VCV004182765.1).